The following is an entry in ClinVar:

NM_016341.4(PLCE1):c.*28A>G

Genes: PLCE1 (phospholipase C epsilon 1; plus strand), NOC3L (NOC3 like DNA replication regulator; minus strand). Cytogenetic location: 10q23.33.
Variant type: single nucleotide variant.
Coding change: c.*28A>G on transcript NM_016341.4 (MANE Select); 28 bases downstream of the stop codon, A replaced by G.
Molecular consequence: 3 prime UTR variant.
Genome position (GRCh38, 1-based): chr10:94,327,971, A>G. VCF-style: chr10-94327971-A-G. GRCh37 (hg19) VCF-style: chr10-96087728-A-G.
Other names: c.*28A>G (NM_001165979.2, NM_001288989.2).
Identifiers: ClinVar variation 301735 (VCV000301735.6), dbSNP rs3203713, ClinGen allele CA5613704.

ClinVar aggregate classification (germline): Benign. Review status: criteria provided, multiple submitters, no conflicts (2 of 4 stars). 2 submissions from 2 submitters: Benign (2). Last evaluated 2018-01-13.

Conditions:
Nephrotic syndrome, type 3 (NPHS3). Also called: NEPHROTIC SYNDROME, EARLY-ONSET, TYPE 3. Identifiers: Orphanet 656, MedGen C1853124, MONDO:0012546, OMIM 610725.

Allele frequency attached by ClinVar (database versions not stated): 1000 Genomes Project 0.10543; 1000 Genomes Project 30x 0.11009; TOPMed 0.12949; gnomAD exomes 0.13483 and 0.14886; gnomAD 0.13696 and 0.13805; ESP Exome Variant Server 0.13917; ExAC 0.14528.
gnomAD v4.1: 77,506 of 531,220 alleles (15%); highest among the groups gnomAD compares: Middle Eastern, 23%; 6,423 homozygotes.

Submissions (2):

Illumina Laboratory Services, Illumina
Classification: Benign for Nephrotic syndrome, type 3. Last evaluated: 2018-01-13. Review status: criteria provided, single submitter. Criteria: ICSL Variant Classification Criteria 13 December 2019. Collection method: clinical testing. Allele origin: germline.
Comment: This variant was observed in the ICSL laboratory as part of a predisposition screen in an ostensibly healthy population. It had not been previously curated by ICSL or reported in the Human Gene Mutation Database (HGMD: prior to June 1st, 2018), and was therefore a candidate for classification through an automated scoring system. Utilizing variant allele frequency, disease prevalence and penetrance estimates, and inheritance mode, an automated score was calculated to assess if this variant is too frequent to cause the disease. Based on the score and internal cut-off values, a variant classified as benign is not then subjected to further curation. The score for this variant resulted in a classification of benign for this disease.

Breakthrough Genomics
Classification: Benign. Review status: criteria provided, single submitter. Criteria: ACMG Guidelines, 2015. Collection method: not provided. Allele origin: germline. Inheritance: Autosomal recessive inheritance. Affected: yes.